The following is an entry in ClinVar:

NM_001099403.2(PRDM8):c.1084T>A (p.Phe362Ile)

Gene: PRDM8 (PR/SET domain 8; plus strand). Cytogenetic location: 4q21.21.
Variant type: single nucleotide variant.
Coding change: c.1084T>A on transcript NM_001099403.2 (MANE Select); coding-DNA position 1084, T replaced by A.
Protein change: p.Phe362Ile; replaces phenylalanine 362 with isoleucine.
Molecular consequence: missense variant.
Genome position (GRCh38, 1-based): chr4:80,202,546, T>A. VCF-style: chr4-80202546-T-A. GRCh37 (hg19) VCF-style: chr4-81123700-T-A.
Other names: c.1084T>A, p.Phe362Ile (NM_020226.4); short protein forms F362I.
Identifiers: ClinVar variation 1385854 (VCV001385854.6), dbSNP rs2109879102, ClinGen allele CA357398128.

ClinVar aggregate classification (germline): Uncertain significance (1 of 4 stars; one submission).

Conditions:
Early-onset Lafora body disease. Also called: Epilepsy, progressive myoclonic, 10. Identifiers: Orphanet 324290, MedGen C4225258, MONDO:0014717, OMIM 616640.

Allele frequency attached by ClinVar (database versions not stated): gnomAD exomes below 0.00001.
gnomAD v4.1: 2 of 1,530,342 alleles (0.00013%); highest among the groups gnomAD compares: Non-Finnish European, 0.00017%; no homozygotes.

Submission:

Labcorp Genetics (formerly Invitae), Labcorp
Classification: Uncertain significance for Early-onset Lafora body disease. Last evaluated: 2021-10-10. Review status: criteria provided, single submitter. Criteria: Invitae Variant Classification Sherloc (09022015). Collection method: clinical testing. Allele origin: germline.
Comment: In summary, the available evidence is currently insufficient to determine the role of this variant in disease. Therefore, it has been classified as a Variant of Uncertain Significance. Algorithms developed to predict the effect of missense changes on protein structure and function are either unavailable or do not agree on the potential impact of this missense change (SIFT: "Deleterious"; PolyPhen-2: "Possibly Damaging"; Align-GVGD: "Class C0"). This variant has not been reported in the literature in individuals affected with PRDM8-related conditions. The frequency data for this variant in the population databases is considered unreliable, as metrics indicate insufficient coverage at this position in the ExAC database. This sequence change replaces phenylalanine with isoleucine at codon 362 of the PRDM8 protein (p.Phe362Ile). The phenylalanine residue is moderately conserved and there is a small physicochemical difference between phenylalanine and isoleucine.